The following is an entry in ClinVar:

ClinVar aggregate classification (germline): Conflicting classifications of pathogenicity. Review status: criteria provided, conflicting classifications (1 of 4 stars). 2 submissions from 2 submitters: Uncertain significance (1); Likely benign (1). Last evaluated 2025-10-28.

Conditions:
Inborn genetic diseases. Identifiers: MedGen C0950123, MeSH D030342.

Allele frequency attached by ClinVar (database versions not stated): gnomAD exomes 0.00001 and 0.00002; ExAC 0.00002; TOPMed 0.00002; gnomAD 0.00003 and 0.00005.
gnomAD v4.1: 24 of 1,613,852 alleles (0.0015%); highest among the groups gnomAD compares: African/African-American, 0.004%; no homozygotes.

Submissions (2):

Ambry Genetics
Classification: Likely benign for Inborn genetic diseases. Last evaluated: 2025-10-28. Review status: criteria provided, single submitter. Criteria: Ambry Variant Classification Scheme 2023. Collection method: clinical testing. Allele origin: germline.

Labcorp Genetics (formerly Invitae), Labcorp
Classification: Uncertain significance. Last evaluated: 2022-10-13. Review status: criteria provided, single submitter. Criteria: Invitae Variant Classification Sherloc (09022015). Collection method: clinical testing. Allele origin: germline.
Comment: In summary, the available evidence is currently insufficient to determine the role of this variant in disease. Therefore, it has been classified as a Variant of Uncertain Significance. Algorithms developed to predict the effect of missense changes on protein structure and function output the following: SIFT: "Tolerated"; PolyPhen-2: "Benign"; Align-GVGD: "Class C0". The serine amino acid residue is found in multiple mammalian species, which suggests that this missense change does not adversely affect protein function. ClinVar contains an entry for this variant (Variation ID: 1498513). This variant has not been reported in the literature in individuals affected with GFM2-related conditions. This variant is present in population databases (rs752145775, gnomAD 0.008%). This sequence change replaces asparagine, which is neutral and polar, with serine, which is neutral and polar, at codon 473 of the GFM2 protein (p.Asn473Ser).

NM_032380.5(GFM2):c.1418A>G (p.Asn473Ser)

Gene: GFM2 (GTP dependent ribosome recycling factor mitochondrial 2; minus strand). Cytogenetic location: 5q13.3.
Variant type: single nucleotide variant.
Coding change: c.1418A>G on transcript NM_032380.5 (MANE Select); coding-DNA position 1418, A replaced by G.
Protein change: p.Asn473Ser; replaces asparagine 473 with serine.
Molecular consequence: missense variant. On other transcripts: non-coding transcript variant (1).
Genome position (GRCh38, 1-based): chr5:74,736,888, T>C on the plus strand (A>G on the coding strand, the complement: GFM2 is on the minus strand). VCF-style: chr5-74736888-T-C. GRCh37 (hg19) VCF-style: chr5-74032713-T-C.
Other names: c.1514A>G, p.Asn505Ser (NM_001281302.2); c.1418A>G, p.Asn473Ser (NM_170681.3); c.1277A>G, p.Asn426Ser (NM_170691.3); c.1418A>G (NM_032380.3); short protein forms N426S, N473S, N505S.
Identifiers: ClinVar variation 1498513 (VCV001498513.7), dbSNP rs752145775, ClinGen allele CA3306536.